The following is an entry in ClinVar:

NM_000018.4(ACADVL):c.461G>A (p.Gly154Asp)

Gene: ACADVL (acyl-CoA dehydrogenase very long chain; plus strand). Cytogenetic location: 17p13.1.
Variant type: single nucleotide variant.
Coding change: c.461G>A on transcript NM_000018.4 (MANE Select); coding-DNA position 461, G replaced by A.
Protein change: p.Gly154Asp; replaces glycine 154 with aspartic acid.
Molecular consequence: missense variant.
Genome position (GRCh38, 1-based): chr17:7,221,042, G>A. VCF-style: chr17-7221042-G-A. GRCh37 (hg19) VCF-style: chr17-7124361-G-A.
Other names: c.395G>A, p.Gly132Asp (NM_001033859.3); c.530G>A, p.Gly177Asp (NM_001270447.2); c.233G>A, p.Gly78Asp (NM_001270448.2); short protein forms G154D, G132D, G177D, G78D.
Identifiers: ClinVar variation 2188425 (VCV002188425.1), dbSNP rs2071188406, ClinGen allele CA397722947.

ClinVar aggregate classification (germline): Uncertain significance (1 of 4 stars; one submission).

Conditions:
Very long chain acyl-CoA dehydrogenase deficiency (ACADVLD). Also called: VLCAD Deficiency; Very Long-Chain Acyl-Coenzyme A Dehydrogenase Deficiency. Identifiers: Orphanet 26793, MedGen C3887523, MONDO:0008723, OMIM 201475.

Submission:

Labcorp Genetics (formerly Invitae), Labcorp
Classification: Uncertain significance for Very long chain acyl-CoA dehydrogenase deficiency. Last evaluated: 2022-06-14. Review status: criteria provided, single submitter. Criteria: Invitae Variant Classification Sherloc (09022015). Collection method: clinical testing. Allele origin: germline.
Comment: This sequence change replaces glycine, which is neutral and non-polar, with aspartic acid, which is acidic and polar, at codon 154 of the ACADVL protein (p.Gly154Asp). This variant is not present in population databases (gnomAD no frequency). This variant has not been reported in the literature in individuals affected with ACADVL-related conditions. Advanced modeling of protein sequence and biophysical properties (such as structural, functional, and spatial information, amino acid conservation, physicochemical variation, residue mobility, and thermodynamic stability) performed at Invitae indicates that this missense variant is expected to disrupt ACADVL protein function. In summary, the available evidence is currently insufficient to determine the role of this variant in disease. Therefore, it has been classified as a Variant of Uncertain Significance.